The following is an entry in ClinVar:

NM_001114753.3(ENG):c.558del (p.Ser187fs)

Gene: ENG (endoglin; minus strand). Cytogenetic location: 9q34.11.
Variant type: Deletion.
Coding change: c.558del on transcript NM_001114753.3 (MANE Select); coding-DNA position 558, one base deleted (C; older notation c.558delC).
Protein change: p.Ser187fs; shifts the reading frame from serine 187.
Molecular consequence: frameshift variant.
Genome position (GRCh38, 1-based): chr9:127,825,826, G deleted on the plus strand (C on the coding strand, the reverse complement: ENG is on the minus strand); the first of 2 consecutive G bases (chr9:127,825,826-127,825,827); deleting either gives the same sequence. VCF-style (leftmost placement, unchanged base first): chr9-127825825-TG-T. GRCh37 (hg19) VCF-style: chr9-130588104-TG-T.
Other names: c.557delC, p.Ser187Alafs (NM_000118.4, NM_001406715.1); c.12del, p.Ser5fs (NM_001278138.2); c.558delC (NM_001114753.1); short protein forms S187fs, S5fs.
Identifiers: ClinVar variation 1330389 (VCV001330389.15), dbSNP rs2131889490, ClinGen allele CA2573053103.

ClinVar aggregate classification (germline): Pathogenic. Review status: criteria provided, multiple submitters, no conflicts (2 of 4 stars). 3 submissions from 3 submitters: Pathogenic (3). Last evaluated 2023-09-11.

Conditions:
Cardiovascular phenotype. Identifiers: MedGen CN230736.
Hereditary hemorrhagic telangiectasia (HHT). Also called: ORW DISEASE; Osler Weber Rendu syndrome; OSLER-RENDU-WEBER DISEASE; Osler hemorrhagic telangiectasia syndrome. Identifiers: Orphanet 774, MedGen C0039445, MONDO:0019180. Disease mechanism: loss of function.
Telangiectasia, hereditary hemorrhagic, type 1 (HHT1). Also called: Osler Weber Rendu syndrome type 1; ENG-Related Hereditary Hemorrhagic Telangiectasia. Identifiers: Orphanet 774, MedGen C4551861, MONDO:0008535, OMIM 187300. Disease mechanism: loss of function.

Submissions (3):

Ambry Genetics
Classification: Pathogenic for Cardiovascular phenotype. Last evaluated: 2023-09-11. Review status: criteria provided, single submitter. Criteria: Ambry Variant Classification Scheme 2023. Collection method: clinical testing. Allele origin: germline.
Comment: The c.558delC pathogenic mutation, located in coding exon 5 of the ENG gene, results from a deletion of one nucleotide at nucleotide position 558, causing a translational frameshift with a predicted alternate stop codon (p.S187Afs*35). This variant is considered to be rare based on population cohorts in the Genome Aggregation Database (gnomAD). This alteration is expected to result in loss of function by premature protein truncation or nonsense-mediated mRNA decay. As such, this alteration is interpreted as a disease-causing mutation.

Labcorp Genetics (formerly Invitae), Labcorp
Classification: Pathogenic for Hereditary hemorrhagic telangiectasia. Last evaluated: 2021-08-04. Review status: criteria provided, single submitter. Criteria: Invitae Variant Classification Sherloc (09022015). Collection method: clinical testing. Allele origin: germline.
Comment: This variant has not been reported in the literature in individuals affected with ENG-related conditions. For these reasons, this variant has been classified as Pathogenic. This variant is not present in population databases (ExAC no frequency). This sequence change creates a premature translational stop signal (p.Ser187Alafs*35) in the ENG gene. It is expected to result in an absent or disrupted protein product. Loss-of-function variants in ENG are known to be pathogenic (PMID: 15879500).

ARUP Laboratories, Molecular Genetics and Genomics, ARUP Laboratories
Classification: Pathogenic for Telangiectasia, hereditary hemorrhagic, type 1. Last evaluated: 2021-04-30. Review status: criteria provided, single submitter. Criteria: ARUP Molecular Germline Variant Investigation Process 2021. Collection method: clinical testing. Allele origin: germline.
Comment: The ENG c.558del; p.Ser187AlafsTer35 variant, to our knowledge, is not reported in the medical literature or gene specific databases. This variant is absent from the Genome Aggregation Database, indicating it is not a common polymorphism. This variant causes a frameshift by deleting a single nucleotide, so it is predicted to result in a truncated protein or mRNA subject to nonsense-mediated decay. ENG loss-of-function is an established mechanism of disease, and truncating variants downstream of c.558del are reported in individuals affected with hereditary hemorrhagic telangiectasia and are considered disease-causing (Heimdal 2016, Letterboer 2005). Based on available information, this variant is considered to be pathogenic. References: Heimdal K et al. Mutation analysis in Norwegian families with hereditary hemorrhagic telangiectasia: founder mutations in ACVRL1. Clin Genet. 2016 Feb;89(2):182-6. PMID: 25970827 Letteboer TG et al. Hereditary hemorrhagic telangiectasia: ENG and ALK-1 mutations in Dutch patients. Hum Genet. 2005 Jan;116(1-2):8-16. PMID: 15517393

Literature cited by the submitters: PubMed 15879500 (cited by Labcorp Genetics (formerly Invitae), Labcorp).